The following is an entry in ClinVar:

NM_001330078.2(NRXN1):c.473_474del (p.Leu158fs)

Gene: NRXN1 (neurexin 1; minus strand). Cytogenetic location: 2p16.3.
Variant type: Deletion.
Coding change: c.473_474del on transcript NM_001330078.2 (MANE Select); coding-DNA positions 473 to 474, 2 bases deleted (TG; older notation c.473_474delTG).
Protein change: p.Leu158fs; shifts the reading frame from leucine 158.
Molecular consequence: frameshift variant.
Genome position (GRCh38, 1-based): chr2:51,027,800-51,027,801, CA deleted on the plus strand (TG on the coding strand, the reverse complement: NRXN1 is on the minus strand). VCF-style (leftmost placement, unchanged base first): chr2-51027799-GCA-G. GRCh37 (hg19) VCF-style: chr2-51254937-GCA-G.
Other names: c.473_474del, p.Leu158fs (NM_001135659.3, NM_001330077.2, NM_001330079.2 and 15 more transcripts); short protein forms L158fs.
Identifiers: ClinVar variation 2824636 (VCV002824636.3), dbSNP rs2468076244, ClinGen allele CA2739274441.

ClinVar aggregate classification (germline): Pathogenic (1 of 4 stars; one submission).

Conditions:
Pitt-Hopkins-like syndrome 2 (PTHSL2). Identifiers: Orphanet 221150, Orphanet 600663, MedGen C3280479, MONDO:0013690, OMIM 614325.

Submission:

Labcorp Genetics (formerly Invitae), Labcorp
Classification: Pathogenic for Pitt-Hopkins-like syndrome 2. Last evaluated: 2022-12-29. Review status: criteria provided, single submitter. Criteria: Invitae Variant Classification Sherloc (09022015). Collection method: clinical testing. Allele origin: germline.
Comment: This variant has not been reported in the literature in individuals affected with NRXN1-related conditions. This variant is not present in population databases (gnomAD no frequency). This sequence change creates a premature translational stop signal (p.Leu158Profs*28) in the NRXN1 gene. It is expected to result in an absent or disrupted protein product. Loss-of-function variants in NRXN1 are known to be pathogenic (PMID: 19896112, 21964664, 23495017, 23533028, 25149956, 30031152). For these reasons, this variant has been classified as Pathogenic.

Literature cited by the submitters: PubMed 19896112; PubMed 21964664; PubMed 23495017; PubMed 23533028; PubMed 25149956; PubMed 30031152.